The following is an entry in ClinVar:

GRCh38/hg38 16p11.2(chr16:29662635-30186020)x3

Genes: MAPK3 (mitogen-activated protein kinase 3; minus strand), MAZ (MYC associated zinc finger protein; plus strand), MVP (major vault protein; plus strand), MVP-DT (MVP divergent transcript; minus strand), PAGR1 (PAXIP1 associated glutamate rich protein 1; plus strand) and 90 more. Cytogenetic location: 16p11.2.
Variant type: copy number gain.
Change: copy number 3 (three copies instead of two) of chr16:29,662,635-30,186,020 (523.4 kb, GRCh38 coordinates, 1-based), cytogenetic band 16p11.2.
Identifiers: ClinVar variation 60469 (VCV000060469.3).

ClinVar aggregate classification (germline): Likely pathogenic (0 of 4 stars; one submission).

Submission:

ISCA site 15
Classification: Likely pathogenic. Last evaluated: 2018-01-24. Review status: no assertion criteria provided. Collection method: clinical testing. Allele origin: unknown. Affected: yes. Observed: 1 variant allele.
Comment: Phenotype now well established for this duplication and partially fits with phenotype of our patient. As incomplete penetrance regard as likely pathogenic rather than pathogenic as no explanation as to why some individuals are affected and some not.

Copy number variation identified through the course of routine clinical cytogenomic testing in postnatal populations. Clinical assertions have been curated as described in Kaminsky et al. 2011.

Copy number variation identified through the course of routine clinical cytogenomic testing in postnatal populations. Clinical assertions have been curated as described in Kaminsky, et al. 2011 (PubMed 21844811). For additional ClinGen data, please see nstd37.